The following continues an entry in ClinVar:

NM_005502.4(ABCA1):c.5398A>C (p.Asn1800His)

Gene: ABCA1. ClinVar aggregate classification (germline): Pathogenic/Likely pathogenic. Pathogenic (7); Likely pathogenic (7).

Submissions 8 to 14 of 14:

Molecular Genetics, Royal Melbourne Hospital
Classification: Likely pathogenic for Decreased circulating HDL-C concentration. Last evaluated: 2022-12-23. Review status: criteria provided, single submitter. Criteria: ACMG Guidelines, 2015. Collection method: clinical testing. Allele origin: germline.
Comment: This sequence change in ABCA1 is predicted to replace asparagine with histidine at codon 1800, p.(Asn1800His). The asparagine residue is highly conserved (98/99 vertebrates, UCSC), and is located in a transmembrane domain. There is a moderate physicochemical difference between asparagine and histidine. The highest population minor allele frequency in the population database gnomAD v2.1 is 0.06% (79/122,504 alleles) in the European (non-Finnish) population. The variant in the heterozygous state is significantly associated with low high-density lipoprotein cholesterol (HDL-C) lipid levels with no overt clinical manifestations (PMID: 29083407). This variant has been detected in at least five individuals with HDL-C deficiency and segregates in a single family. Of those individuals, one individual was homozygous and two were compound heterozygous for the variant and a pathogenic variant. The homozygous individual was the only proband with a clinical diagnosis of Tangier disease (PMID: 10706591, 15019541, 16343503, 20880529). At least one individual with this variant displayed impaired cellular cholesterol efflux, which is highly specific for ABCA1-related HDL-C deficiency (PMID: 10706591, 16343503). Furthermore, in vitro cellular cholesterol efflux assays, showed impaired cholesterol efflux indicating that this variant impacts protein function (PMID: 16873719, 17303779, 18523221). Multiple lines of computational evidence predict a deleterious effect for the missense substitution (6/6 algorithms). Based on the classification scheme RMH Modified ACMG Guidelines v1.5.1, this variant is classified as LIKELY PATHOGENIC. Following criteria are met: PM3_Strong, PS3_Supporting, PP1, PP3, PP4.

Department of Pathology and Laboratory Medicine, Sinai Health System
Classification: Likely pathogenic for hypoalphalipoproteinemia, primary, 1. Last evaluated: 2022-11-14. Review status: criteria provided, single submitter. Criteria: ACMG Guidelines, 2015. Collection method: research. Allele origin: germline.

MGZ Medical Genetics Center
Classification: Likely pathogenic for Hypoalphalipoproteinemia, primary, 1. Last evaluated: 2022-07-04. Review status: criteria provided, single submitter. Criteria: ACMG Guidelines, 2015. Collection method: clinical testing. Allele origin: germline. Affected: yes. Observed: 2 variant alleles.
Comment: ACMG criteria applied: PS3_MOD, PS4_MOD, PM2_SUP, PP3

Greenwood Genetic Center Diagnostic Laboratories, Greenwood Genetic Center
Classification: Likely pathogenic. Last evaluated: 2021-02-15. Review status: criteria provided, single submitter. Criteria: ACMG Guidelines, 2015. Collection method: clinical testing. Allele origin: germline. Affected: yes.
Comment: PS3, PP3, PM2

Revvity Omics, Revvity
Classification: Pathogenic. Last evaluated: 2020-10-29. Review status: criteria provided, single submitter. Criteria: ACMG Guidelines, 2015. Collection method: clinical testing. Allele origin: germline.

Human Genome Sequencing Center Clinical Lab, Baylor College of Medicine
Classification: Likely pathogenic for Hypoalphalipoproteinemia, primary, 1. Last evaluated: 2019-09-12. Review status: criteria provided, single submitter. Criteria: ACMG Guidelines, 2015. Collection method: clinical testing. Allele origin: germline.
Comment: This c.5398A>C (p.Asn1800His) variant is known to have a significant impact on ABCA1 function. In-vitro functional studies suggest it prevents the migration of the resultant protein to the plasma membrane, reducing the ability to efflux lipids and generate HDL cholesterol (PMID: 16873719). In the homozygous and heterozygous state, individuals with this variant had 3.4% and 56.6% of normal plasma HDL levels, respectively (PMID: 16873719, 16704350). This variant's allele frequency is 0.0006449 in the European (non-Finnish) population in gnomAD. The Asn1800 amino acid is highly conserved across species. Multiple computational tools suggest it has a deleterious effect on the gene product. This c.5398A>C (p.Asn1800His) variant in ABCA1 is therefore considered likely pathogenic.

Illumina Laboratory Services, Illumina
Classification: Pathogenic for ABCA1-Related Disorders. Last evaluated: 2017-04-27. Review status: criteria provided, single submitter. Criteria: ICSL Variant Classification Criteria 09 May 2019. Collection method: clinical testing. Allele origin: germline.
Comment: Across a selection of the available literature, the ABCA1 c.5398A>C (p.Asn1800His) variant has been identified in a total of seven individuals with ABCA1-related dyslipidemias, including in a homozygous state in one patient, in a compound heterozygous state in three patients, and in a heterozygous state in three patients (Serfaty-Lacrosniere et al. 1994; Brousseau et al. 2000; Pisciotta et al. 2004; Kiss et al. 2007; Candini et al. 2010; Sorrenson et al. 2011; Morrison et al. 2013). Frikke-Schmidt et al. (2010) stated that the p.Asn1800His variant accounted for the majority of HDL lowering variants in the Copenhagen City Heart Study and the Copenhagen General Population Study, being present in 22 and 70 heterozygotes, respectively. Control data are unavailable for this variant, which is reported at a frequency of 0.00047 in the European (non-Finnish) population of the Exome Aggregation Consortium. Brunham et al. (2006) reviewed HDL levels in 33 heterozygotes for the p.Asn1800His variant, and found that HDL levels in these cases were 56.5 percent of those in age and gender-matched controls. Frikke-Schmidt et al. (2008) found that unadjusted plasma levels of HDL cholesterol in the 22 individuals from the Copenhagen City Heart Study with the p.Asn1800His variant were reduced by 16 mg/dL when compared to controls (P<.001). Singaraja et al. (2006) demonstrated that the p.Asn1800His variant results in a defective ABCA1 protein that fails to localize to the plasma membrane and accumulates intracellularly. Based on the collective evidence, the p.Asn1800His variant is classified as pathogenic for ABCA1-related disorders. This variant was observed by ICSL as part of a predisposition screen in an ostensibly healthy population.

Literature cited by the submitters: PubMed 10706591 (cited by 7 submitters); PubMed 16343503 (cited by 6 submitters); PubMed 20880529 (cited by 7 submitters); PubMed 21575609 (cited by 3 submitters); PubMed 22959828 (cited by 4 submitters); PubMed 16873719 (cited by 7 submitters); PubMed 15019541 (cited by 5 submitters); PubMed 17303779 (cited by 6 submitters); PubMed 18523221 (cited by 5 submitters); PubMed 20800056 (cited by 3 submitters); PubMed 23136402 (cited by Mayo Clinic Laboratories, Mayo Clinic and Ambry Genetics); PubMed 7945562 (cited by 3 submitters); PubMed 16704350 (cited by Ambry Genetics and Illumina Laboratory Services, Illumina); PubMed 20533173 (cited by Ambry Genetics); PubMed 23087442 (cited by Ambry Genetics); PubMed 23139370 (cited by Ambry Genetics); PubMed 23770607 (cited by Ambry Genetics and Illumina Laboratory Services, Illumina); PubMed 26073400 (cited by Ambry Genetics); PubMed 26079414 (cited by Ambry Genetics); PubMed 28634189 (cited by Ambry Genetics); PubMed 28870971 (cited by Ambry Genetics); PubMed 29083407 (cited by Ambry Genetics and Molecular Genetics, Royal Melbourne Hospital); PubMed 30945099 (cited by Ambry Genetics).